The following is an entry in ClinVar:

NM_212482.4(FN1):c.5939A>G (p.Asn1980Ser)

Genes: FN1 (fibronectin 1; minus strand), LOC126806496 (CDK7 strongly-dependent group 2 enhancer GRCh37_chr2:216240057-216241256; plus strand). Cytogenetic location: 2q35.
Variant type: single nucleotide variant.
Coding change: c.5939A>G on transcript NM_212482.4 (MANE Select); coding-DNA position 5939, A replaced by G.
Protein change: p.Asn1980Ser; replaces asparagine 1980 with serine.
Molecular consequence: missense variant.
Genome position (GRCh38, 1-based): chr2:215,375,667, T>C on the plus strand (A>G on the coding strand, the complement: FN1 is on the minus strand). VCF-style: chr2-215375667-T-C. GRCh37 (hg19) VCF-style: chr2-216240390-T-C.
Other names: c.5939A>G, p.Asn1980Ser (NM_001306129.2); c.5669A>G, p.Asn1890Ser (NM_001306130.2, NM_001365517.2, NM_001365519.2 and 2 more transcripts); c.5396A>G, p.Asn1799Ser (NM_001306131.2, NM_001306132.2, NM_001365523.2 and 2 more transcripts); c.5666A>G, p.Asn1889Ser (NM_001365518.2, NM_001365520.2, NM_001365524.2 and 2 more transcripts); short protein forms N1799S, N1889S, N1890S, N1980S.
Identifiers: ClinVar variation 2744799 (VCV002744799.3), dbSNP rs2057151196, ClinGen allele CA350470740.
Genomic context (GRCh38, chr2:215,375,667, plus strand): 5'-CCTCAGTAGAAGGTATAGTTACCAGTGGAGGCGTCGATGACCACAGGGGAGCTCCGAGCA[T>C]TGTCATTCAAGGTGTACAGGTAGATCTTGTAGTCAGTGCCTGGTTGTAAACCTGGGATTT-3'
Protein context (NP_997647.2, residues 1970-1990): YKIYLYTLND[Asn1980Ser]ARSSPVVIDA

ClinVar aggregate classification (germline): Uncertain significance (1 of 4 stars; one submission).

Allele frequency attached by ClinVar (database versions not stated): gnomAD exomes below 0.00001.
gnomAD v4.1: 2 of 1,613,684 alleles (0.00012%); highest among the groups gnomAD compares: African/African-American, 0.0013%; no homozygotes.

Submission:

Labcorp Genetics (formerly Invitae), Labcorp
Classification: Uncertain significance. Last evaluated: 2023-08-19. Review status: criteria provided, single submitter. Criteria: Invitae Variant Classification Sherloc (09022015). Collection method: clinical testing. Allele origin: germline.
Comment: In summary, the available evidence is currently insufficient to determine the role of this variant in disease. Therefore, it has been classified as a Variant of Uncertain Significance. An algorithm developed to predict the effect of missense changes on protein structure and function (PolyPhen-2) suggests that this variant is likely to be disruptive. This variant has not been reported in the literature in individuals affected with FN1-related conditions. This variant is not present in population databases (gnomAD no frequency). This sequence change replaces asparagine, which is neutral and polar, with serine, which is neutral and polar, at codon 1980 of the FN1 protein (p.Asn1980Ser).